The following is an entry in ClinVar:

ClinVar aggregate classification (germline): Uncertain significance. Review status: criteria provided, multiple submitters, no conflicts (2 of 4 stars). 2 submissions from 2 submitters: Uncertain significance (2). Last evaluated 2024-01-11.

Conditions:
Fanconi anemia (FA). Also called: Fanconi's anemia. Identifiers: Orphanet 84, MedGen C0015625, MeSH D005199, MONDO:0019391.
Fanconi anemia complementation group I (FANCI). Also called: FANCI-Related Fanconi Anemia. Identifiers: Orphanet 84, MedGen C1836861, MONDO:0012186, OMIM 609053.

Allele frequency attached by ClinVar (database versions not stated): gnomAD exomes below 0.00001 and 0.00001; ExAC 0.00002.
gnomAD v4.1: 6 of 1,613,682 alleles (0.00037%); highest among the groups gnomAD compares: Non-Finnish European, 0.00042%; no homozygotes.

Submissions (2):

Fulgent Genetics
Classification: Uncertain significance for Fanconi anemia complementation group I. Last evaluated: 2024-01-11. Review status: criteria provided, single submitter. Criteria: ACMG Guidelines, 2015. Collection method: clinical testing. Allele origin: germline.

Labcorp Genetics (formerly Invitae), Labcorp
Classification: Uncertain significance for Fanconi anemia. Last evaluated: 2023-07-07. Review status: criteria provided, single submitter. Criteria: Invitae Variant Classification Sherloc (09022015). Collection method: clinical testing. Allele origin: germline.
Comment: This sequence change replaces serine, which is neutral and polar, with asparagine, which is neutral and polar, at codon 1222 of the FANCI protein (p.Ser1222Asn). This variant is present in population databases (rs746232111, gnomAD 0.003%). This variant has not been reported in the literature in individuals affected with FANCI-related conditions. ClinVar contains an entry for this variant (Variation ID: 456217). Advanced modeling of protein sequence and biophysical properties (such as structural, functional, and spatial information, amino acid conservation, physicochemical variation, residue mobility, and thermodynamic stability) performed at Invitae indicates that this missense variant is not expected to disrupt FANCI protein function. In summary, the available evidence is currently insufficient to determine the role of this variant in disease. Therefore, it has been classified as a Variant of Uncertain Significance.

NM_001113378.2(FANCI):c.3665G>A (p.Ser1222Asn)

Gene: FANCI (FA complementation group I; plus strand). Cytogenetic location: 15q26.1.
Variant type: single nucleotide variant.
Coding change: c.3665G>A on transcript NM_001113378.2 (MANE Select); coding-DNA position 3665, G replaced by A.
Protein change: p.Ser1222Asn; replaces serine 1222 with asparagine.
Molecular consequence: missense variant.
Genome position (GRCh38, 1-based): chr15:89,312,917, G>A. VCF-style: chr15-89312917-G-A. GRCh37 (hg19) VCF-style: chr15-89856148-G-A.
Other names: c.3386G>A, p.Ser1129Asn (NM_001376910.1); c.3665G>A, p.Ser1222Asn (NM_001376911.1); c.3485G>A, p.Ser1162Asn (NM_018193.3); short protein forms S1222N, S1162N, S1129N.
Identifiers: ClinVar variation 456217 (VCV000456217.8), dbSNP rs746232111, ClinGen allele CA7723829.